The following is an entry in ClinVar:

ClinVar aggregate classification (germline): Conflicting classifications of pathogenicity. Review status: criteria provided, conflicting classifications (1 of 4 stars). 3 submissions from 3 submitters: Uncertain significance (1); Likely benign (2). Last evaluated 2025-04-24.

Conditions:
Long QT syndrome (LQTS). Identifiers: MedGen C0023976, MeSH D008133, MONDO:0002442. Disease mechanism: loss of function. Inheritance: Various modes of inheritance.
CACNA1C-related disorder. Also called: CACNA1C-related condition; CACNA1C-related disorders. Identifiers: MedGen CN381092, MONDO:0700321.
Cardiovascular phenotype. Identifiers: MedGen CN230736.

Allele frequency attached by ClinVar (database versions not stated): gnomAD exomes below 0.00001; TOPMed 0.00001.
gnomAD v4.1: 2 of 1,610,260 alleles (0.00012%); highest among the groups gnomAD compares: Non-Finnish European, 0.00017%; no homozygotes.

Submissions (3):

Labcorp Genetics (formerly Invitae), Labcorp
Classification: Likely benign for Long QT syndrome. Last evaluated: 2025-04-24. Review status: criteria provided, single submitter. Criteria: Invitae Variant Classification Sherloc (09022015). Collection method: clinical testing. Allele origin: germline.

Ambry Genetics
Classification: Likely benign for Cardiovascular phenotype. Last evaluated: 2023-06-05. Review status: criteria provided, single submitter. Criteria: Ambry Variant Classification Scheme 2023. Collection method: clinical testing. Allele origin: germline.

PreventionGenetics, part of Exact Sciences
Classification: Uncertain significance for CACNA1C-related condition. Last evaluated: 2023-03-16. Review status: criteria provided, single submitter. Criteria: ACMG Guidelines, 2015. Collection method: clinical testing. Allele origin: germline.
Comment: The CACNA1C c.447A>G variant is not predicted to result in an amino acid change (p.=). This variant may introduce a cryptic splice site based on splicing prediction programs (Alamut Visual Plus v.1.6.1). However, these prediction programs are not equivalent to functional evidence. To our knowledge, this variant has not been reported in the literature or in a large population database, indicating this variant is rare. This variant has been interpreted as likely benign by a single submitter in ClinVar. At this time, the clinical significance of this variant is uncertain due to the absence of conclusive functional and genetic evidence.

NM_000719.7(CACNA1C):c.447A>G (p.Glu149=)

Gene: CACNA1C (calcium voltage-gated channel subunit alpha1 C; plus strand). Cytogenetic location: 12p13.33.
Variant type: single nucleotide variant.
Coding change: c.447A>G on transcript NM_000719.7 (MANE Select); coding-DNA position 447, A replaced by G.
Protein change: p.Glu149=; no amino-acid change (glutamic acid 149 retained).
Molecular consequence: synonymous variant.
Genome position (GRCh38, 1-based): chr12:2,120,400, A>G. VCF-style: chr12-2120400-A-G. GRCh37 (hg19) VCF-style: chr12-2229566-A-G.
Other names: c.447A>G, p.Glu149= (NM_001129827.2, NM_001129829.2, NM_001129830.3 and 19 more transcripts).
Identifiers: ClinVar variation 565959 (VCV000565959.12), dbSNP rs1297869395, ClinGen allele CA478005442.